The following is an entry in ClinVar:

NC_000017.10:g.(?_29422048)_(29497025_?)dup

Gene: NF1 (neurofibromin 1; plus strand). Cytogenetic location: 17q11.2.
Variant type: Duplication.
Identifiers: ClinVar variation 1409404 (VCV001409404.5).

ClinVar aggregate classification (germline): Uncertain significance (1 of 4 stars; one submission).

Conditions:
Neurofibromatosis, type 1 (NF1). Also called: Peripheral type neurofibromatosis; Neurofibromatosis, type I; VON RECKLINGHAUSEN DISEASE; NEUROFIBROMATOSIS, TYPE I, SOMATIC. Identifiers: Orphanet 636, MedGen C0027831, MONDO:0018975, OMIM 162200. Disease mechanism: loss of function.

Submission:

Labcorp Genetics (formerly Invitae), Labcorp
Classification: Uncertain significance for Neurofibromatosis, type 1. Last evaluated: 2023-07-31. Review status: criteria provided, single submitter. Criteria: Invitae Variant Classification Sherloc (09022015). Collection method: clinical testing. Allele origin: germline.
Comment: In summary, the available evidence is currently insufficient to determine the role of this variant in disease. Therefore, it has been classified as a Variant of Uncertain Significance. Experimental studies and prediction algorithms are not available or were not evaluated, and the functional significance of this variant is currently unknown. This variant has not been reported in the literature in individuals affected with NF1-related conditions. This variant results in a copy number gain of the genomic region encompassing exon(s) 1-5 of the NF1 gene. This region includes the initiator codon of the gene. This copy number gain extends beyond the assayed region for this gene and therefore may encompass additional genes. As the precise location of this event is unknown, it may be in tandem or it may be located elsewhere in the genome.